The following is an entry in ClinVar:

ClinVar aggregate classification (germline): Uncertain significance (1 of 4 stars; one submission).

Submission:

GeneDx
Classification: Uncertain significance. Last evaluated: 2022-10-06. Review status: criteria provided, single submitter. Criteria: GeneDx Variant Classification Process June 2021. Collection method: clinical testing. Allele origin: germline. Affected: yes.
Comment: Not observed at significant frequency in large population cohorts (gnomAD); In silico analysis supports that this missense variant has a deleterious effect on protein structure/function; Has not been previously published as pathogenic or benign to our knowledge

NM_004667.6(HERC2):c.13139C>G (p.Pro4380Arg)

Gene: HERC2 (HECT and RLD domain containing E3 ubiquitin protein ligase 2; minus strand). Cytogenetic location: 15q13.1.
Variant type: single nucleotide variant.
Coding change: c.13139C>G on transcript NM_004667.6 (MANE Select); coding-DNA position 13139, C replaced by G.
Protein change: p.Pro4380Arg; replaces proline 4380 with arginine.
Molecular consequence: missense variant.
Genome position (GRCh38, 1-based): chr15:28,124,086, G>C on the plus strand (C>G on the coding strand, the complement: HERC2 is on the minus strand). VCF-style: chr15-28124086-G-C. GRCh37 (hg19) VCF-style: chr15-28369232-G-C.
Other names: short protein forms P4380R.
Identifiers: ClinVar variation 1800785 (VCV001800785.1), dbSNP rs2548796294, ClinGen allele CA391372803.